The following is an entry in ClinVar:

ClinVar aggregate classification (germline): Likely benign (1 of 4 stars; one submission).

Conditions:
Familial hypercholesterolemia. Also called: Familial hypercholesterolaemia. Identifiers: MedGen C0020445, MONDO:0005439.

gnomAD v4.1: 1 of 1,614,216 alleles (0.000062%); highest among the groups gnomAD compares: Non-Finnish European, 0.000085%; no homozygotes.

Submission:

GENinCode PLC
Classification: Likely benign for Familial hypercholesterolemia. Last evaluated: 2025-01-09. Review status: criteria provided, single submitter. Criteria: ACMG Guidelines, 2015. Collection method: clinical testing. Allele origin: germline.
Comment: This is a synonymous (silent) variant that is not predicted to impact splicing and occurs at a nucleotide which is not highly conserved. This variant has been classified as Likely Benign (BP4, BP7).

NM_174936.4(PCSK9):c.292C>T (p.Leu98=)

Gene: PCSK9 (proprotein convertase subtilisin/kexin type 9; plus strand). Cytogenetic location: 1p32.3.
Variant type: single nucleotide variant.
Coding change: c.292C>T on transcript NM_174936.4 (MANE Select); coding-DNA position 292, C replaced by T.
Protein change: p.Leu98=; no amino-acid change (leucine 98 retained).
Molecular consequence: synonymous variant. On other transcripts: 5 prime UTR variant (1), non-coding transcript variant (6), intron variant (1).
Genome position (GRCh38, 1-based): chr1:55,043,927, C>T. VCF-style: chr1-55043927-C-T. GRCh37 (hg19) VCF-style: chr1-55509600-C-T.
Other names: c.415C>T, p.Leu139= (NM_001407240.1); c.292C>T, p.Leu98= (NM_001407241.1, NM_001407242.1, NM_001407243.1 and 2 more transcripts); c.-84C>T (NM_001407246.1); c.208-2596C>T (NM_001407245.1).
Identifiers: ClinVar variation 3572866 (VCV003572866.1).